The following is an entry in ClinVar:

NM_012472.6(DNAAF11):c.1312A>G (p.Thr438Ala)

Gene: DNAAF11 (dynein axonemal assembly factor 11; minus strand). Cytogenetic location: 8q24.22.
Variant type: single nucleotide variant.
Coding change: c.1312A>G on transcript NM_012472.6 (MANE Select); coding-DNA position 1312, A replaced by G.
Protein change: p.Thr438Ala; replaces threonine 438 with alanine.
Molecular consequence: missense variant. On other transcripts: non-coding transcript variant (10).
Genome position (GRCh38, 1-based): chr8:132,572,395, T>C on the plus strand (A>G on the coding strand, the complement: DNAAF11 is on the minus strand). VCF-style: chr8-132572395-T-C. GRCh37 (hg19) VCF-style: chr8-133584643-T-C.
Other names: c.1252A>G, p.Thr418Ala (NM_001321961.2); c.1066A>G, p.Thr356Ala (NM_001321962.2); c.952A>G, p.Thr318Ala (NM_001321963.2, NM_001321964.2, NM_001321965.2); c.892A>G, p.Thr298Ala (NM_001321966.2); c.1312A>G (NM_012472.5); short protein forms T298A, T318A, T356A, T418A, T438A.
Identifiers: ClinVar variation 3767093 (VCV003767093.2).

ClinVar aggregate classification (germline): Uncertain significance. Review status: criteria provided, multiple submitters, no conflicts (2 of 4 stars). 2 submissions from 2 submitters: Uncertain significance (2). Last evaluated 2024-10-10.

Conditions:
Primary ciliary dyskinesia. Also called: Ciliary dyskinesia. Identifiers: Orphanet 244, MedGen C0008780, MONDO:0016575, HP:0012265.

gnomAD v4.1: 41 of 1,613,890 alleles (0.0025%); highest among the groups gnomAD compares: Non-Finnish European, 0.0035%; no homozygotes.

Submissions (2):

Molecular Genetics McLendon Clinical Laboratories, University of North Carolina at Chapel Hill
Classification: Uncertain significance for Primary ciliary dyskinesia. Last evaluated: 2024-10-10. Review status: criteria provided, single submitter. Criteria: ACMG Guidelines, 2015. Collection method: clinical testing. Allele origin: germline.

ARUP Laboratories, Molecular Genetics and Genomics, ARUP Laboratories
Classification: Uncertain significance. Last evaluated: 2024-05-07. Review status: criteria provided, single submitter. Criteria: ARUP Molecular Germline Variant Investigation Process 2024. Collection method: clinical testing. Allele origin: germline.
Comment: The DNAAF11 c.1312A>G; p.Thr438Ala variant (rs1814292487), to our knowledge, is not reported in the medical literature or gene specific databases. This variant is also absent from the Genome Aggregation Database (v2.1.1), indicating it is not a common polymorphism. Computational analyses predict that this variant is neutral/deleterious (REVEL: 0.043). Due to limited information, the clinical significance of this variant is uncertain at this time.